The following is an entry in ClinVar:

ClinVar aggregate classification (germline): Likely benign. Review status: criteria provided, multiple submitters, no conflicts (2 of 4 stars). 2 submissions from 2 submitters: Likely benign (2). Last evaluated 2026-01-12.

Conditions:
Neuronal ceroid lipofuscinosis. Also called: Neuronal Ceroid Lipofuscinoses. Identifiers: Orphanet 216, Orphanet 79263, MedGen C0027877, MONDO:0016295. Disease mechanism: loss of function.

Submissions (2):

Labcorp Genetics (formerly Invitae), Labcorp
Classification: Likely benign for Neuronal ceroid lipofuscinosis. Last evaluated: 2026-01-12. Review status: criteria provided, single submitter. Criteria: Invitae Variant Classification Sherloc (09022015). Collection method: clinical testing. Allele origin: germline.

CeGaT Center for Human Genetics Tuebingen
Classification: Likely benign. Last evaluated: 2024-06-01. Review status: criteria provided, single submitter. Criteria: CeGaT Center For Human Genetics Tuebingen Variant Classification Criteria Version 2. Collection method: clinical testing. Allele origin: germline. Affected: yes. Observed: 1 variant allele.
Comment: CLN6: BP4, BP7

NM_017882.3(CLN6):c.54G>A (p.Ala18=)

Gene: CLN6 (CLN6 transmembrane ER protein; minus strand). Cytogenetic location: 15q23.
Variant type: single nucleotide variant.
Coding change: c.54G>A on transcript NM_017882.3 (MANE Select); coding-DNA position 54, G replaced by A.
Protein change: p.Ala18=; no amino-acid change (alanine 18 retained).
Molecular consequence: synonymous variant.
Genome position (GRCh38, 1-based): chr15:68,229,531, C>T on the plus strand (G>A on the coding strand, the complement: CLN6 is on the minus strand). VCF-style: chr15-68229531-C-T. GRCh37 (hg19) VCF-style: chr15-68521869-C-T.
Identifiers: ClinVar variation 1084923 (VCV001084923.27), dbSNP rs1199248099, ClinGen allele CA490917593.
Genomic context (GRCh38, chr15:68,229,531, plus strand): 5'-AGCCCGCCCTCTCACCCCGGCGCGCGCCCACCTGGCCTGCAGGAAGGAGGCGCCCAGCTG[C>T]GCGCCTGGGCCGCCCGTCGCTCCCAGGTGCTGCCGCCTCCGCGTCGCCTCCATGGCTGCC-3'
Protein context (NP_060352.1, residues 8-28): QHLGATGGPG[Ala18=]QLGASFLQAR